The following is an entry in ClinVar:

ClinVar aggregate classification (germline): Uncertain significance (1 of 4 stars; one submission).

Conditions:
Hereditary cancer-predisposing syndrome. Also called: Tumor predisposition; Hereditary neoplastic syndrome; Neoplastic Syndromes, Hereditary; Hereditary Cancer Syndrome. Identifiers: Orphanet 140162, MedGen C0027672, MeSH D009386, MONDO:0015356.

Submission:

Ambry Genetics
Classification: Uncertain significance for Hereditary cancer-predisposing syndrome. Last evaluated: 2025-05-27. Review status: criteria provided, single submitter. Criteria: Ambry Variant Classification Scheme 2023. Collection method: clinical testing. Allele origin: germline.
Comment: The p.V572G variant (also known as c.1715T>G), located in coding exon 11 of the CTNNA1 gene, results from a T to G substitution at nucleotide position 1715. The valine at codon 572 is replaced by glycine, an amino acid with dissimilar properties. This amino acid position is conserved. In addition, this alteration is predicted to be deleterious by in silico analysis. Based on the available evidence, the clinical significance of this variant remains unclear.

NM_001903.5(CTNNA1):c.1715T>G (p.Val572Gly)

Gene: CTNNA1 (catenin alpha 1; plus strand). Cytogenetic location: 5q31.2.
Variant type: single nucleotide variant.
Coding change: c.1715T>G on transcript NM_001903.5 (MANE Select); coding-DNA position 1715, T replaced by G.
Protein change: p.Val572Gly; replaces valine 572 with glycine.
Molecular consequence: missense variant.
Genome position (GRCh38, 1-based): chr5:138,924,678, T>G. VCF-style: chr5-138924678-T-G. GRCh37 (hg19) VCF-style: chr5-138260367-T-G.
Other names: c.1715T>G, p.Val572Gly (NM_001290307.3, NM_001323982.2, NM_001323983.1 and 2 more transcripts); c.1406T>G, p.Val469Gly (NM_001290309.3); c.1346T>G, p.Val449Gly (NM_001290310.3); c.605T>G, p.Val202Gly (NM_001290312.1, NM_001323992.1, NM_001323993.1 and 17 more transcripts); c.1622T>G, p.Val541Gly (NM_001323986.2); c.266T>G, p.Val89Gly (NM_001324006.1, NM_001324007.1, NM_001324008.1 and 2 more transcripts); c.512T>G, p.Val171Gly (NM_001324011.1); c.362T>G, p.Val121Gly (NM_001324012.1, NM_001324013.1); short protein forms V121G, V572G, V449G, V469G, V541G, V89G, V171G, V202G.
Identifiers: ClinVar variation 4007996 (VCV004007996.1).